The following is an entry in ClinVar:

NM_004260.4(RECQL4):c.3308T>G (p.Leu1103Arg)

Gene: RECQL4 (RecQ like helicase 4; minus strand). Cytogenetic location: 8q24.3.
Variant type: single nucleotide variant.
Coding change: c.3308T>G on transcript NM_004260.4 (MANE Select); coding-DNA position 3308, T replaced by G.
Protein change: p.Leu1103Arg; replaces leucine 1103 with arginine.
Molecular consequence: missense variant.
Genome position (GRCh38, 1-based): chr8:144,511,996, A>C on the plus strand (T>G on the coding strand, the complement: RECQL4 is on the minus strand). VCF-style: chr8-144511996-A-C. GRCh37 (hg19) VCF-style: chr8-145737379-A-C.
Other names: short protein forms L1103R.
Identifiers: ClinVar variation 933419 (VCV000933419.5), dbSNP rs1827309086, ClinGen allele CA372668798.

ClinVar aggregate classification (germline): Uncertain significance (1 of 4 stars; one submission).

Conditions:
Baller-Gerold syndrome (BGS). Also called: CRANIOSYNOSTOSIS WITH RADIAL DEFECTS. Identifiers: Orphanet 1225, MedGen C0265308, MONDO:0009039, OMIM 218600.

Submission:

Labcorp Genetics (formerly Invitae), Labcorp
Classification: Uncertain significance for Baller-Gerold syndrome. Last evaluated: 2019-06-22. Review status: criteria provided, single submitter. Criteria: Invitae Variant Classification Sherloc (09022015). Collection method: clinical testing. Allele origin: germline.
Comment: In summary, the available evidence is currently insufficient to determine the role of this variant in disease. Therefore, it has been classified as a Variant of Uncertain Significance. Algorithms developed to predict the effect of missense changes on protein structure and function are either unavailable or do not agree on the potential impact of this missense change (SIFT: "Deleterious"; PolyPhen-2: "Not Available"; Align-GVGD: "Class C35"). This variant has not been reported in the literature in individuals with RECQL4-related conditions. This variant is not present in population databases (ExAC no frequency). This sequence change replaces leucine with arginine at codon 1103 of the RECQL4 protein (p.Leu1103Arg). The leucine residue is highly conserved and there is a moderate physicochemical difference between leucine and arginine.